The following is an entry in ClinVar:

NM_177438.3(DICER1):c.544C>G (p.Leu182Val)

Gene: DICER1 (dicer 1, ribonuclease III; minus strand). Cytogenetic location: 14q32.13.
Variant type: single nucleotide variant.
Coding change: c.544C>G on transcript NM_177438.3 (MANE Select); coding-DNA position 544, C replaced by G.
Protein change: p.Leu182Val; replaces leucine 182 with valine.
Molecular consequence: missense variant.
Genome position (GRCh38, 1-based): chr14:95,130,087, G>C on the plus strand (C>G on the coding strand, the complement: DICER1 is on the minus strand). VCF-style: chr14-95130087-G-C. GRCh37 (hg19) VCF-style: chr14-95596424-G-C.
Other names: c.544C>G, p.Leu182Val (NM_001195573.1, NM_001271282.3, NM_001291628.2 and 1 more transcripts); short protein forms L182V.
Identifiers: ClinVar variation 825740 (VCV000825740.6), dbSNP rs1595458819, ClinGen allele CA390888389.

ClinVar aggregate classification (germline): Uncertain significance. Review status: criteria provided, multiple submitters, no conflicts (2 of 4 stars). 2 submissions from 2 submitters: Uncertain significance (2). Last evaluated 2024-08-20.

Conditions:
Hereditary cancer-predisposing syndrome. Also called: Neoplastic Syndromes, Hereditary; Hereditary Cancer Syndrome; Hereditary neoplastic syndrome; Tumor predisposition. Identifiers: Orphanet 140162, MedGen C0027672, MeSH D009386, MONDO:0015356.
DICER1-related tumor predisposition. Also called: DICER1-related pleuropulmonary blastoma cancer predisposition syndrome; DICER1 syndrome. Identifiers: Orphanet 284343, MedGen C3839822, MONDO:0100216.

Submissions (2):

Labcorp Genetics (formerly Invitae), Labcorp
Classification: Uncertain significance for DICER1-related tumor predisposition. Last evaluated: 2024-08-20. Review status: criteria provided, single submitter. Criteria: Invitae Variant Classification Sherloc (09022015). Collection method: clinical testing. Allele origin: germline.
Comment: This sequence change replaces leucine, which is neutral and non-polar, with valine, which is neutral and non-polar, at codon 182 of the DICER1 protein (p.Leu182Val). This variant is not present in population databases (gnomAD no frequency). This variant has not been reported in the literature in individuals affected with DICER1-related conditions. ClinVar contains an entry for this variant (Variation ID: 825740). Invitae Evidence Modeling of protein sequence and biophysical properties (such as structural, functional, and spatial information, amino acid conservation, physicochemical variation, residue mobility, and thermodynamic stability) indicates that this missense variant is not expected to disrupt DICER1 protein function with a negative predictive value of 80%. In summary, the available evidence is currently insufficient to determine the role of this variant in disease. Therefore, it has been classified as a Variant of Uncertain Significance.

Ambry Genetics
Classification: Uncertain significance for Hereditary cancer-predisposing syndrome. Last evaluated: 2019-05-20. Review status: criteria provided, single submitter. Criteria: Ambry Variant Classification Scheme 2023. Collection method: clinical testing. Allele origin: germline.
Comment: The p.L182V variant (also known as c.544C>G), located in coding exon 4 of the DICER1 gene, results from a C to G substitution at nucleotide position 544. The leucine at codon 182 is replaced by valine, an amino acid with highly similar properties. This amino acid position is not well conserved in available vertebrate species. In addition, this alteration is predicted to be tolerated by in silico analysis. Since supporting evidence is limited at this time, the clinical significance of this alteration remains unclear.